The following is an entry in ClinVar:

NM_004336.5(BUB1):c.2828C>A (p.Ala943Glu)

Gene: BUB1 (BUB1 mitotic checkpoint serine/threonine kinase; minus strand). Cytogenetic location: 2q13.
Variant type: single nucleotide variant.
Coding change: c.2828C>A on transcript NM_004336.5 (MANE Select); coding-DNA position 2828, C replaced by A.
Protein change: p.Ala943Glu; replaces alanine 943 with glutamic acid.
Molecular consequence: missense variant.
Genome position (GRCh38, 1-based): chr2:110,641,161, G>T on the plus strand (C>A on the coding strand, the complement: BUB1 is on the minus strand). VCF-style: chr2-110641161-G-T. GRCh37 (hg19) VCF-style: chr2-111398738-G-T.
Other names: c.2768C>A, p.Ala923Glu (NM_001278616.2); c.2657C>A, p.Ala886Glu (NM_001278617.2); short protein forms A943E, A886E, A923E.
Identifiers: ClinVar variation 1796520 (VCV001796520.3), dbSNP rs2467970466, ClinGen allele CA348089206.

ClinVar aggregate classification (germline): Uncertain significance (1 of 4 stars; one submission).

Allele frequency attached by ClinVar (database versions not stated): gnomAD exomes 0.00001.
gnomAD v4.1: 9 of 1,609,742 alleles (0.00056%); highest among the groups gnomAD compares: Non-Finnish European, 0.00076%; no homozygotes.

Submission:

Ambry Genetics
Classification: Uncertain significance. Last evaluated: 2024-11-06. Review status: criteria provided, single submitter. Criteria: Ambry Variant Classification Scheme 2023. Collection method: clinical testing. Allele origin: germline.
Comment: The p.A943E variant (also known as c.2828C>A), located in coding exon 23 of the BUB1 gene, results from a C to A substitution at nucleotide position 2828. The alanine at codon 943 is replaced by glutamic acid, an amino acid with dissimilar properties. This amino acid position is conserved. In addition, this alteration is predicted to be tolerated by in silico analysis. Since supporting evidence is limited at this time, the clinical significance of this alteration remains unclear.